The following is an entry in ClinVar:

NM_000030.3(AGXT):c.613T>C (p.Ser205Pro)

Gene: AGXT (alanine--glyoxylate aminotransferase; plus strand). Cytogenetic location: 2q37.3.
Variant type: single nucleotide variant.
Coding change: c.613T>C on transcript NM_000030.3 (MANE Select); coding-DNA position 613, T replaced by C.
Protein change: p.Ser205Pro; replaces serine 205 with proline.
Molecular consequence: missense variant.
Genome position (GRCh38, 1-based): chr2:240,873,995, T>C. VCF-style: chr2-240873995-T-C. GRCh37 (hg19) VCF-style: chr2-241813412-T-C.
Other names: short protein forms S205P.
Identifiers: ClinVar variation 5640 (VCV000005640.15), dbSNP rs121908520, ClinGen allele CA340441.
Genomic context (GRCh38, chr2:240,873,995, plus strand): 5'-TGAGGTGGGACTCACCCGTCCCGAGCAAACCACCCATCTACAGGCATCGACATCCTGTAC[T>C]CGGGCTCCCAGAAGGCCCTGAACGCCCCTCCAGGGACCTCGCTCATCTCCTTCAGTGACA-3'
Protein context (NP_000021.1, residues 195-215): MDRQGIDILY[Ser205Pro]GSQKALNAPP

ClinVar aggregate classification (germline): Pathogenic/Likely pathogenic. Review status: criteria provided, multiple submitters, no conflicts (2 of 4 stars). 7 submissions from 7 submitters: Pathogenic (3); Likely pathogenic (1). 3 of the submissions do not count toward it. Last evaluated 2025-08-26.

Conditions:
Primary hyperoxaluria, type I (HP1). Also called: GLYCOLIC ACIDURIA; HEPATIC AGT DEFICIENCY; OXALOSIS I; Primary hyperoxaluria type 1. Identifiers: Orphanet 416, Orphanet 93598, MedGen C0268164, MONDO:0009823, OMIM 259900. Disease mechanism: loss of function.

Allele frequency attached by ClinVar (database versions not stated): gnomAD 0.00003 and 0.00004; gnomAD exomes below 0.00001; TOPMed 0.00002.
gnomAD v4.1: 5 of 1,613,562 alleles (0.00031%); highest among the groups gnomAD compares: African/African-American, 0.0067%; no homozygotes.

Submissions (7):

Natera, Inc.
Classification: Likely pathogenic for Primary hyperoxaluria type I. Last evaluated: 2025-08-26. Review status: criteria provided, single submitter. Criteria: Natera Variant Classification Schema (03/2026). Collection method: clinical testing. Allele origin: germline.
Comment: The c.613T>C variant in AGXT is a missense variant predicted to cause substitution of serine to proline at amino acid 205. This variant is rare in the general population with a frequency below the threshold expected for the associated phenotype(s). This variant has been observed in one or more individuals affected with the associated recessive disease, as either homozygous or compound heterozygous with a second variant (PMID: 2039493). Functional studies show that this variant may disrupt protein function (PMID: 18782763, 8861003). A different variant at the same position has been determined to be Pathogenic or Likely Pathogenic. Computational prediction algorithms indicate this variant is likely to affect gene or protein function. Given the available evidence, this variant is classified as Likely Pathogenic.

Fulgent Genetics
Classification: Pathogenic for Primary hyperoxaluria, type I. Last evaluated: 2023-12-29. Review status: criteria provided, single submitter. Criteria: ACMG Guidelines, 2015. Collection method: clinical testing. Allele origin: germline.

Labcorp Genetics (formerly Invitae), Labcorp
Classification: Pathogenic. Last evaluated: 2023-11-21. Review status: criteria provided, single submitter. Criteria: Invitae Variant Classification Sherloc (09022015). Collection method: clinical testing. Allele origin: germline.
Comment: This sequence change replaces serine, which is neutral and polar, with proline, which is neutral and non-polar, at codon 205 of the AGXT protein (p.Ser205Pro). This variant is present in population databases (rs121908520, gnomAD 0.008%). This missense change has been observed in individual(s) with primary hyperoxaluria (PMID: 2039493; Invitae). ClinVar contains an entry for this variant (Variation ID: 5640). Advanced modeling of protein sequence and biophysical properties (such as structural, functional, and spatial information, amino acid conservation, physicochemical variation, residue mobility, and thermodynamic stability) performed at Invitae indicates that this missense variant is expected to disrupt AGXT protein function with a positive predictive value of 80%. Experimental studies have shown that this missense change affects AGXT function (PMID: 18782763). For these reasons, this variant has been classified as Pathogenic.

Center for Pediatric Genomic Medicine, Children's Mercy Hospital and Clinics
Classification: Pathogenic. Last evaluated: 2016-09-08. Review status: criteria provided, single submitter. Criteria: ACMG Guidelines, 2015. Collection method: clinical testing. Allele origin: germline.

Clinical Biochemistry Laboratory, Health Services Laboratory
Classification: Pathogenic for Primary hyperoxaluria, type I. Last evaluated: 2014-11-27. Review status: no assertion criteria provided. Collection method: in vitro. Allele origin: germline. Affected: yes. Not counted in ClinVar's aggregate classification.

OMIM
Classification: Pathogenic for HYPEROXALURIA, PRIMARY, TYPE I. Last evaluated: 1991-05-15. Review status: no assertion criteria provided. Collection method: literature only. Allele origin: germline. Not counted in ClinVar's aggregate classification.

GeneReviews
No classification provided. Condition: Primary hyperoxaluria, type I. Review status: no classification provided. Collection method: literature only. Allele origin: germline. Affected: yes. Not counted in ClinVar's aggregate classification.

Literature cited by the submitters: PubMed 2039493 (cited by 4 submitters); PubMed 18782763 (cited by Natera, Inc. and Labcorp Genetics (formerly Invitae), Labcorp); PubMed 8861003 (cited by Natera, Inc.); PubMed 16971151 (cited by Clinical Biochemistry Laboratory, Health Services Laboratory); NCBI Bookshelf NBK1283 (cited by GeneReviews).